The following is an entry in ClinVar:

ClinVar aggregate classification (germline): Uncertain significance (1 of 4 stars; one submission).

Conditions:
Gamma-aminobutyric acid transaminase deficiency (GABATD). Also called: GABA transaminase deficiency; Gamma aminobutyrate transaminase deficiency; 4 alpha aminobutyrate transaminase deficiency; GABA aminotransaminase deficiency. Identifiers: Orphanet 2066, MedGen C0342708, MONDO:0013166, OMIM 613163.

Allele frequency attached by ClinVar (database versions not stated): ESP Exome Variant Server 0.00008; TOPMed 0.00002; ExAC 0.00003; gnomAD 0.00004.
gnomAD v4.1: 40 of 1,613,974 alleles (0.0025%); highest among the groups gnomAD compares: African/African-American, 0.008%; 2 homozygotes.

Submission:

Labcorp Genetics (formerly Invitae), Labcorp
Classification: Uncertain significance for Gamma-aminobutyric acid transaminase deficiency. Last evaluated: 2022-07-30. Review status: criteria provided, single submitter. Criteria: Invitae Variant Classification Sherloc (09022015). Collection method: clinical testing. Allele origin: germline.
Comment: This sequence change replaces arginine, which is basic and polar, with glutamine, which is neutral and polar, at codon 281 of the ABAT protein (p.Arg281Gln). This variant is present in population databases (rs138996363, gnomAD 0.008%). This variant has not been reported in the literature in individuals affected with ABAT-related conditions. Algorithms developed to predict the effect of missense changes on protein structure and function (SIFT, PolyPhen-2, Align-GVGD) all suggest that this variant is likely to be tolerated. In summary, the available evidence is currently insufficient to determine the role of this variant in disease. Therefore, it has been classified as a Variant of Uncertain Significance.

NM_020686.6(ABAT):c.842G>A (p.Arg281Gln)

Gene: ABAT (4-aminobutyrate aminotransferase; plus strand). Cytogenetic location: 16p13.2.
Variant type: single nucleotide variant.
Coding change: c.842G>A on transcript NM_020686.6 (MANE Select); coding-DNA position 842, G replaced by A.
Protein change: p.Arg281Gln; replaces arginine 281 with glutamine.
Molecular consequence: missense variant. On other transcripts: intron variant (1).
Genome position (GRCh38, 1-based): chr16:8,772,805, G>A. VCF-style: chr16-8772805-G-A. GRCh37 (hg19) VCF-style: chr16-8866662-G-A.
Other names: c.842G>A, p.Arg281Gln (NM_000663.5, NM_001127448.2, NM_001386600.1 and 6 more transcripts); c.779G>A, p.Arg260Gln (NM_001386606.1, NM_001386607.1); c.749G>A, p.Arg250Gln (NM_001386608.1); c.707G>A, p.Arg236Gln (NM_001386610.1, NM_001386611.1); c.644G>A, p.Arg215Gln (NM_001386612.1, NM_001386613.1); c.596G>A, p.Arg199Gln (NM_001386614.1); c.938G>A, p.Arg313Gln (NM_001386615.1); c.817-14G>A (NM_001386605.1); short protein forms R199Q, R260Q, R313Q, R236Q, R215Q, R250Q, R281Q.
Identifiers: ClinVar variation 2193678 (VCV002193678.2), dbSNP rs138996363, ClinGen allele CA7893333.